The following is an entry in ClinVar:

NM_017763.6(RNF43):c.1983C>T (p.Ser661=)

Gene: RNF43 (ring finger protein 43; minus strand). Cytogenetic location: 17q22.
Variant type: single nucleotide variant.
Coding change: c.1983C>T on transcript NM_017763.6 (MANE Select); coding-DNA position 1983, C replaced by T.
Protein change: p.Ser661=; no amino-acid change (serine 661 retained).
Molecular consequence: synonymous variant.
Genome position (GRCh38, 1-based): chr17:58,357,793, G>A on the plus strand (C>T on the coding strand, the complement: RNF43 is on the minus strand). VCF-style: chr17-58357793-G-A. GRCh37 (hg19) VCF-style: chr17-56435154-G-A.
Other names: c.1983C>T, p.Ser661= (NM_001305544.3); c.1602C>T, p.Ser534= (NM_001305545.2).
Identifiers: ClinVar variation 1086102 (VCV001086102.11), dbSNP rs371820221, ClinGen allele CA8673078.

ClinVar aggregate classification (germline): Benign/Likely benign. Review status: criteria provided, multiple submitters, no conflicts (2 of 4 stars). 3 submissions from 3 submitters: Benign (1); Likely benign (2). Last evaluated 2026-07-02.

Conditions:
Sessile serrated polyposis cancer syndrome (SSPCS). Identifiers: Orphanet 157798, MedGen C4310714, MONDO:0014919, OMIM 617108.

Allele frequency attached by ClinVar (database versions not stated): gnomAD exomes 0.00002; ESP Exome Variant Server 0.00008; ExAC 0.00003; gnomAD 0.00009.
gnomAD v4.1: 49 of 1,613,976 alleles (0.003%); highest among the groups gnomAD compares: African/African-American, 0.024%; no homozygotes.

Submissions (3):

Myriad Genetics, Inc.
Classification: Benign for Sessile serrated polyposis cancer syndrome. Last evaluated: 2026-07-02. Review status: criteria provided, single submitter. Criteria: Myriad Autosomal Dominant, Autosomal Recessive and X-Linked Classification Criteria (2023). Collection method: clinical testing. Allele origin: unknown.
Comment: This variant is considered benign. This variant is a silent/synonymous amino acid change and it is not expected to impact splicing.

Labcorp Genetics (formerly Invitae), Labcorp
Classification: Likely benign. Last evaluated: 2025-11-11. Review status: criteria provided, single submitter. Criteria: Invitae Variant Classification Sherloc (09022015). Collection method: clinical testing. Allele origin: germline.

Ambry Genetics
Classification: Likely benign. Last evaluated: 2024-10-05. Review status: criteria provided, single submitter. Criteria: Ambry Variant Classification Scheme 2023. Collection method: clinical testing. Allele origin: germline.